The following is an entry in ClinVar:

NM_018082.6(POLR3B):c.2941_2942delinsAT (p.Tyr981Ile)

Genes: POLR3B (RNA polymerase III subunit B; plus strand), RFX4-AS1 (RFX4 antisense RNA 1; minus strand). Cytogenetic location: 12q23.3.
Variant type: Indel.
Coding change: c.2941_2942delinsAT on transcript NM_018082.6 (MANE Select); coding-DNA positions 2941 to 2942, TA replaced by AT.
Protein change: p.Tyr981Ile; replaces tyrosine 981 with isoleucine.
Molecular consequence: missense variant.
Genome position (GRCh38, 1-based): chr12:106,496,875-106,496,876, TA replaced by AT. VCF-style: chr12-106496875-TA-AT. GRCh37 (hg19) VCF-style: chr12-106890653-TA-AT.
Other names: c.2767_2768delinsAT, p.Tyr923Ile (NM_001160708.2); short protein forms Y923I, Y981I.
Identifiers: ClinVar variation 3601962 (VCV003601962.1).
Genomic context (GRCh38, chr12:106,496,875, plus strand): 5'-GGCACTGCGTTTGGAGGCAGTAAAGTGAAGGATGTGTGTGAGGACCTCGTTCGCCATGGT[TA>AT]TAACTACTTGGGGAAAGACTATGTTACATCCGGCATCACAGGGTAAGCATGCGATTGAGC-3'
Protein context (NP_060552.4, residues 971-991): DVCEDLVRHG[Tyr981Ile]NYLGKDYVTS

ClinVar aggregate classification (germline): Uncertain significance (0 of 4 stars; one submission).

Conditions:
Leukodystrophy, hypomyelinating, 8, with or without oligodontia and/or hypogonadotropic hypogonadism. Also called: LEUKODYSTROPHY, HYPOMYELINATING, 8, WITH HYPODONTIA AND HYPOGONADOTROPIC HYPOGONADISM; Hypomyelinating leukodystrophy 8 with or without oligodontia and-or hypogonadotropic hypogonadism; Endosteal sclerosis-cerebellar hypoplasia syndrome. Identifiers: Orphanet 85186, Orphanet 88637, MedGen C3280644, MONDO:0013722, OMIM 614381.

Submission:

Leeds Institute of Medical Research, University of Leeds
Classification: Uncertain significance for Leukodystrophy, hypomyelinating, 8, with or without oligodontia and/or hypogonadotropic hypogonadism. Last evaluated: 2025-01-27. Review status: no assertion criteria provided. Collection method: research. Allele origin: germline. Affected: yes. Observed: 2 variant alleles.
Comment: This homozygous variant, NM_018082.6:c.2941_2942delinsAT, causes subtitution of Tyr with Ile at 98 position of POLR3B. This variant is not listed on ClinVar nor in gnomAD v4.0.1. In silico prediction tools including MutationTaster, PolyPhen2 and MutPred2 predicted it to be disease causing. The CADD-Phred score for this variant is 25.9. The phenotyping features of the family align with those of hypomyelinating leukodystrophy-8, HLD8 (OMIM# 614381). It meets the ACMG criteria of PM2, PP2 and classified as VUS.